The following is an entry in ClinVar:

ClinVar aggregate classification (germline): Uncertain significance (1 of 4 stars; one submission).

Conditions:
Lowe syndrome (OCRL). Also called: PHOSPHATIDYLINOSITOL 4,5-BISPHOSPHATE 5-PHOSPHATASE DEFICIENCY; LOWE OCULOCEREBRORENAL SYNDROME; Oculocerebrorenal Syndrome. Identifiers: Orphanet 534, MedGen C0028860, MONDO:0010645, OMIM 309000.

Submission:

Labcorp Genetics (formerly Invitae), Labcorp
Classification: Uncertain significance for Lowe syndrome. Last evaluated: 2025-07-01. Review status: criteria provided, single submitter. Criteria: Invitae Variant Classification Sherloc (09022015). Collection method: clinical testing. Allele origin: germline.
Comment: This sequence change replaces glutamine, which is neutral and polar, with proline, which is neutral and non-polar, at codon 456 of the OCRL protein (p.Gln456Pro). This variant is not present in population databases (gnomAD no frequency). This missense change has been observed in individual(s) with clinical features of Lowe syndrome (internal data). ClinVar contains an entry for this variant (Variation ID: 579629). Invitae Evidence Modeling of protein sequence and biophysical properties (such as structural, functional, and spatial information, amino acid conservation, physicochemical variation, residue mobility, and thermodynamic stability) indicates that this missense variant is expected to disrupt OCRL protein function with a positive predictive value of 80%. In summary, the available evidence is currently insufficient to determine the role of this variant in disease. Therefore, it has been classified as a Variant of Uncertain Significance.

NM_000276.4(OCRL):c.1367A>C (p.Gln456Pro)

Gene: OCRL (OCRL inositol polyphosphate-5-phosphatase; plus strand). Cytogenetic location: Xq26.1.
Variant type: single nucleotide variant.
Coding change: c.1367A>C on transcript NM_000276.4 (MANE Select); coding-DNA position 1367, A replaced by C.
Protein change: p.Gln456Pro; replaces glutamine 456 with proline.
Molecular consequence: missense variant.
Genome position (GRCh38, 1-based): chrX:129,567,264, A>C. VCF-style: chrX-129567264-A-C. GRCh37 (hg19) VCF-style: chrX-128701241-A-C.
Other names: c.1370A>C, p.Gln457Pro (NM_001318784.2); c.1367A>C, p.Gln456Pro (NM_001587.4); short protein forms Q456P, Q457P.
Identifiers: ClinVar variation 579629 (VCV000579629.9), dbSNP rs1569460215, ClinGen allele CA414615486.